The following is an entry in ClinVar:

ClinVar aggregate classification (germline): Uncertain significance (1 of 4 stars; one submission).

Submission:

GeneDx
Classification: Uncertain significance. Last evaluated: 2025-02-25. Review status: criteria provided, single submitter. Criteria: GeneDx Variant Classification Process June 2021. Collection method: clinical testing. Allele origin: germline. Affected: yes.
Comment: Not observed at significant frequency in large population cohorts (gnomAD); In silico analysis supports that this missense variant has a deleterious effect on protein structure/function; Has not been previously published as pathogenic or benign to our knowledge

NM_000070.3(CAPN3):c.1646T>A (p.Leu549Gln)

Gene: CAPN3 (calpain 3; plus strand). Cytogenetic location: 15q15.1.
Variant type: single nucleotide variant.
Coding change: c.1646T>A on transcript NM_000070.3 (MANE Select); coding-DNA position 1646, T replaced by A.
Protein change: p.Leu549Gln; replaces leucine 549 with glutamine.
Molecular consequence: missense variant.
Genome position (GRCh38, 1-based): chr15:42,402,903, T>A. VCF-style: chr15-42402903-T-A. GRCh37 (hg19) VCF-style: chr15-42695101-T-A.
Other names: c.1646T>A, p.Leu549Gln (NM_024344.2); c.1502T>A, p.Leu501Gln (NM_173087.2); c.110T>A, p.Leu37Gln (NM_173088.2); short protein forms L37Q, L501Q, L549Q.
Identifiers: ClinVar variation 4076754 (VCV004076754.1).
Genomic context (GRCh38, chr15:42,402,903, plus strand): 5'-CCTCCAAGGCCAGGAGCAAAACCTACATCAACATGCGGGAGGTGTCCCAGCGCTTCCGCC[T>A]GCCTCCCAGCGAGTACGTCATCGTGCCCTCCACCTACGAGCCCCACCAGGAGGGGGAATT-3'
Protein context (NP_000061.1, residues 539-559): NMREVSQRFR[Leu549Gln]PPSEYVIVPS